The following is an entry in ClinVar:

NM_000075.4(CDK4):c.255G>C (p.Arg85=)

Gene: CDK4 (cyclin dependent kinase 4; minus strand). Cytogenetic location: 12q14.1.
Variant type: single nucleotide variant.
Coding change: c.255G>C on transcript NM_000075.4 (MANE Select); coding-DNA position 255, G replaced by C.
Protein change: p.Arg85=; no amino-acid change (arginine 85 retained).
Molecular consequence: synonymous variant.
Genome position (GRCh38, 1-based): chr12:57,751,306, C>G on the plus strand (G>C on the coding strand, the complement: CDK4 is on the minus strand). VCF-style: chr12-57751306-C-G. GRCh37 (hg19) VCF-style: chr12-58145089-C-G.
Other names: c.255G>C (NM_000075.3).
Identifiers: ClinVar variation 3379001 (VCV003379001.2).

ClinVar aggregate classification (germline): Benign/Likely benign. Review status: criteria provided, multiple submitters, no conflicts (2 of 4 stars). 2 submissions from 2 submitters: Benign (1); Likely benign (1). Last evaluated 2026-03-12.

Conditions:
Melanoma, cutaneous malignant, susceptibility to, 3. Also called: Cutaneous malignant melanoma 3. Identifiers: Orphanet 618, MedGen C1836892, MONDO:0012183, OMIM 609048.
Hereditary cancer-predisposing syndrome. Also called: Hereditary neoplastic syndrome; Tumor predisposition; Neoplastic Syndromes, Hereditary; Hereditary Cancer Syndrome. Identifiers: Orphanet 140162, MedGen C0027672, MeSH D009386, MONDO:0015356.

Submissions (2):

Ambry Genetics
Classification: Likely benign for Hereditary cancer-predisposing syndrome. Last evaluated: 2026-03-12. Review status: criteria provided, single submitter. Criteria: Ambry Variant Classification Scheme 2023. Collection method: clinical testing. Allele origin: germline.

Myriad Genetics, Inc.
Classification: Benign for Melanoma, cutaneous malignant, susceptibility to, 3. Last evaluated: 2024-09-25. Review status: criteria provided, single submitter. Criteria: Myriad Autosomal Dominant, Autosomal Recessive and X-Linked Classification Criteria (2023). Collection method: clinical testing. Allele origin: unknown.
Comment: This variant is considered benign. This variant is a silent/synonymous amino acid change and it is not expected to impact splicing.